The following is an entry in ClinVar:

NM_001366385.1(CARD14):c.356T>C (p.Met119Thr)

Gene: CARD14 (caspase recruitment domain family member 14; plus strand). Cytogenetic location: 17q25.3.
Variant type: single nucleotide variant.
Coding change: c.356T>C on transcript NM_001366385.1 (MANE Select); coding-DNA position 356, T replaced by C.
Protein change: p.Met119Thr; replaces methionine 119 with threonine.
Molecular consequence: missense variant. On other transcripts: non-coding transcript variant (1).
Genome position (GRCh38, 1-based): chr17:80,183,919, T>C. VCF-style: chr17-80183919-T-C. GRCh37 (hg19) VCF-style: chr17-78157718-T-C.
Other names: c.356T>C, p.Met119Thr (NM_024110.4, NM_001257970.1); short protein forms M119T.
Identifiers: ClinVar variation 660052 (VCV000660052.13), dbSNP rs1598639584, ClinGen allele CA401335547.

ClinVar aggregate classification (germline): Pathogenic/Likely pathogenic. Review status: criteria provided, multiple submitters, no conflicts (2 of 4 stars). 3 submissions from 3 submitters: Pathogenic (1); Likely pathogenic (1). 1 of the submissions does not count toward it. Last evaluated 2024-11-05.

Conditions:
Papulosquamous eruptions.
Pityriasis rubra pilaris (PRP). Also called: Pityriasis rubra pilaris--familial type. Identifiers: Orphanet 2897, MedGen C0032027, MONDO:0100017, OMIM 173200, MONDO:0008251.
Psoriasis 2. Identifiers: MedGen C1864497, MONDO:0011269, OMIM 602723.
CARD14-related disorder. Also called: CARD14-related condition.

Submissions (3):

Labcorp Genetics (formerly Invitae), Labcorp
Classification: Likely pathogenic for Pityriasis rubra pilaris; Psoriasis 2. Last evaluated: 2024-11-05. Review status: criteria provided, single submitter. Criteria: Invitae Variant Classification Sherloc (09022015). Collection method: clinical testing. Allele origin: germline.
Comment: This sequence change replaces methionine, which is neutral and non-polar, with threonine, which is neutral and polar, at codon 119 of the CARD14 protein (p.Met119Thr). This variant is not present in population databases (gnomAD no frequency). This missense change has been observed in individuals with clinical features of pityriasis rubra pilaris (PMID: 29477734, 34004138, 34448248). ClinVar contains an entry for this variant (Variation ID: 660052). Invitae Evidence Modeling of protein sequence and biophysical properties (such as structural, functional, and spatial information, amino acid conservation, physicochemical variation, residue mobility, and thermodynamic stability) indicates that this missense variant is not expected to disrupt CARD14 protein function with a negative predictive value of 95%. Experimental studies have shown that this missense change affects CARD14 function (PMID: 34004138). In summary, the currently available evidence indicates that the variant is pathogenic, but additional data are needed to prove that conclusively. Therefore, this variant has been classified as Likely Pathogenic.

Blueprint Genetics
Classification: Pathogenic for CARD14-related disorders. Last evaluated: 2024-10-14. Review status: criteria provided, single submitter. Criteria: ACMG Guidelines, 2015. Collection method: clinical testing. Allele origin: germline. Affected: yes. Observed: 1 variant allele.

Yale Center for Mendelian Genomics, Yale University
Classification: Pathogenic for Papulosquamous eruptions. Last evaluated: 2018-03-01. Review status: no assertion criteria provided. Collection method: literature only. Allele origin: germline. Affected: yes. Observed: 2 heterozygotes. Not counted in ClinVar's aggregate classification.

Literature cited by the submitters: PubMed 29477734 (cited by Labcorp Genetics (formerly Invitae), Labcorp and Yale Center for Mendelian Genomics, Yale University); PubMed 34004138 (cited by Labcorp Genetics (formerly Invitae), Labcorp); PubMed 34448248 (cited by Labcorp Genetics (formerly Invitae), Labcorp).